The following is an entry in ClinVar:

ClinVar aggregate classification (germline): Uncertain significance (1 of 4 stars; one submission).

Conditions:
Cohen syndrome (COH1). Also called: PEPPER SYNDROME; Cutis verticis gyrata, retinitis pigmentosa, and sensorineural deafness. Identifiers: Orphanet 193, MedGen C0265223, MONDO:0008999, OMIM 216550.

gnomAD v4.1: 2 of 1,613,734 alleles (0.00012%); highest among the groups gnomAD compares: Non-Finnish European, 0.00017%; no homozygotes.

Submission:

Labcorp Genetics (formerly Invitae), Labcorp
Classification: Uncertain significance for Cohen syndrome. Last evaluated: 2022-10-25. Review status: criteria provided, single submitter. Criteria: Invitae Variant Classification Sherloc (09022015). Collection method: clinical testing. Allele origin: germline.
Comment: This sequence change replaces proline, which is neutral and non-polar, with threonine, which is neutral and polar, at codon 958 of the VPS13B protein (p.Pro958Thr). This variant is not present in population databases (gnomAD no frequency). This variant has not been reported in the literature in individuals affected with VPS13B-related conditions. Advanced modeling of protein sequence and biophysical properties (such as structural, functional, and spatial information, amino acid conservation, physicochemical variation, residue mobility, and thermodynamic stability) performed at Invitae indicates that this missense variant is expected to disrupt VPS13B protein function. In summary, the available evidence is currently insufficient to determine the role of this variant in disease. Therefore, it has been classified as a Variant of Uncertain Significance.

NM_152564.5(VPS13B):c.2872C>A (p.Pro958Thr)

Gene: VPS13B (vacuolar protein sorting 13 homolog B; plus strand). Cytogenetic location: 8q22.2.
Variant type: single nucleotide variant.
Coding change: c.2872C>A on transcript NM_152564.5 (MANE Select); coding-DNA position 2872, C replaced by A.
Protein change: p.Pro958Thr; replaces proline 958 with threonine.
Molecular consequence: missense variant.
Genome position (GRCh38, 1-based): chr8:99,384,255, C>A. VCF-style: chr8-99384255-C-A. GRCh37 (hg19) VCF-style: chr8-100396483-C-A.
Other names: c.2872C>A, p.Pro958Thr (NM_017890.5); short protein forms P958T.
Identifiers: ClinVar variation 2154300 (VCV002154300.1), dbSNP rs2489827010, ClinGen allele CA371864758.
Genomic context (GRCh38, chr8:99,384,255, plus strand): 5'-TCTTGTCTTTTAGGTGCTGTACTTCTTTGCAGTATACAAGGACTAGCAGTTAATATTGAC[C>A]CAATCTTATATACGTGGCTCATCTATCAGCCTCAGAAACGAACAAGTAGACATATGCAAC-3'
Protein context (NP_689777.3, residues 948-968): SIQGLAVNID[Pro958Thr]ILYTWLIYQP